The following is an entry in ClinVar:

NM_032360.4(ACBD6):c.223-6A>G

Gene: ACBD6 (acyl-CoA binding domain containing 6; minus strand). Cytogenetic location: 1q25.3.
Variant type: single nucleotide variant.
Coding change: c.223-6A>G on transcript NM_032360.4 (MANE Select); 6 bases into the intron before coding-DNA position 223, A replaced by G.
Molecular consequence: intron variant.
Genome position (GRCh38, 1-based): chr1:180,495,531, T>C on the plus strand (A>G on the coding strand, the complement: ACBD6 is on the minus strand). VCF-style: chr1-180495531-T-C. GRCh37 (hg19) VCF-style: chr1-180464666-T-C.
Identifiers: ClinVar variation 3033539 (VCV003033539.2), dbSNP rs151129855, ClinGen allele CA1272351.

ClinVar aggregate classification (germline): Likely benign (0 of 4 stars; one submission).

Conditions:
ACBD6-related disorder. Also called: ACBD6-related condition.

Allele frequency attached by ClinVar (database versions not stated): TOPMed 0.00074; ESP Exome Variant Server 0.00077; gnomAD exomes 0.00007; ExAC 0.00015; gnomAD 0.00064; 1000 Genomes Project 30x 0.00078; 1000 Genomes Project 0.00100.
gnomAD v4.1: 206 of 1,605,330 alleles (0.013%); highest among the groups gnomAD compares: African/African-American, 0.23%; 1 homozygote.

Submission:

PreventionGenetics, part of Exact Sciences
Classification: Likely benign for ACBD6-related condition. Last evaluated: 2019-06-18. Review status: no assertion criteria provided. Collection method: clinical testing. Allele origin: germline.
Comment: This variant is classified as likely benign based on ACMG/AMP sequence variant interpretation guidelines (Richards et al. 2015 PMID: 25741868, with internal and published modifications).